The following is an entry in ClinVar:

ClinVar aggregate classification (germline): Conflicting classifications of pathogenicity. Review status: criteria provided, conflicting classifications (1 of 4 stars). 2 submissions from 2 submitters: Uncertain significance (1); Likely benign (1). Last evaluated 2023-02-01.

Allele frequency attached by ClinVar (database versions not stated): ExAC 0.00050.

Submissions (2):

CeGaT Center for Human Genetics Tuebingen
Classification: Likely benign. Last evaluated: 2023-02-01. Review status: criteria provided, single submitter. Criteria: CeGaT Center For Human Genetics Tuebingen Variant Classification Criteria Version 2. Collection method: clinical testing. Allele origin: germline. Affected: yes. Observed: 1 variant allele.
Comment: ZXDA: BS2

Ambry Genetics
Classification: Uncertain significance. Last evaluated: 2021-06-11. Review status: criteria provided, single submitter. Criteria: Ambry Variant Classification Scheme 2023. Collection method: clinical testing. Allele origin: germline.

NM_007156.5(ZXDA):c.356C>A (p.Ala119Glu)

Gene: ZXDA (zinc finger X-linked duplicated A; minus strand). Cytogenetic location: Xp11.21.
Variant type: single nucleotide variant.
Coding change: c.356C>A on transcript NM_007156.5 (MANE Select); coding-DNA position 356, C replaced by A.
Protein change: p.Ala119Glu; replaces alanine 119 with glutamic acid.
Molecular consequence: missense variant.
Genome position (GRCh38, 1-based): chrX:57,910,065, G>T on the plus strand (C>A on the coding strand, the complement: ZXDA is on the minus strand). VCF-style: chrX-57910065-G-T. GRCh37 (hg19) VCF-style: chrX-57936499-G-T.
Other names: short protein forms A119E.
Identifiers: ClinVar variation 2349199 (VCV002349199.26), dbSNP rs749789031, ClinGen allele CA10431641.